The following is an entry in ClinVar:

NM_006531.5(IFT88):c.1318G>A (p.Val440Met)

Gene: IFT88 (intraflagellar transport 88; plus strand). Cytogenetic location: 13q12.11.
Variant type: single nucleotide variant.
Coding change: c.1318G>A on transcript NM_006531.5 (MANE Select); coding-DNA position 1318, G replaced by A.
Protein change: p.Val440Met; replaces valine 440 with methionine.
Molecular consequence: missense variant. On other transcripts: non-coding transcript variant (5).
Genome position (GRCh38, 1-based): chr13:20,631,034, G>A. VCF-style: chr13-20631034-G-A. GRCh37 (hg19) VCF-style: chr13-21205173-G-A.
Other names: c.1261G>A, p.Val421Met (NM_001318491.2, NM_001353575.2); c.1345G>A, p.Val449Met (NM_001318493.2, NM_001353565.2, NM_001353566.2 and 2 more transcripts); c.1318G>A, p.Val440Met (NM_001353568.2, NM_001353572.2); c.1243G>A, p.Val415Met (NM_001353569.2, NM_001353570.2, NM_001353576.2 and 1 more transcripts); c.1216G>A, p.Val406Met (NM_001353571.2, NM_001353578.2); c.1174G>A, p.Val392Met (NM_001353573.2); c.1159G>A, p.Val387Met (NM_001353574.2); c.685G>A, p.Val229Met (NM_001353579.2); short protein forms V229M, V392M, V421M, V449M, V387M, V415M, V440M, V406M.
Identifiers: ClinVar variation 3722813 (VCV003722813.2).
Genomic context (GRCh38, chr13:20,631,034, plus strand): 5'-TCATATTACAGTGGTAGTAACCTTCAGATATTCCATTTCTAGGCTGTAGAGATCTTAAAA[G>A]TGTTGGAAAAAAAGGACAGTAGAGTGAAAAGTGCAGCTGCAACCAATCTCTCAGCCCTGT-3'
Protein context (NP_006522.2, residues 430-450): DYNQAVEILK[Val440Met]LEKKDSRVKS

ClinVar aggregate classification (germline): Uncertain significance (1 of 4 stars; one submission).

gnomAD v4.1: 3 of 1,594,264 alleles (0.00019%); highest among the groups gnomAD compares: Non-Finnish European, 0.00026%; no homozygotes.

Submission:

Labcorp Genetics (formerly Invitae), Labcorp
Classification: Uncertain significance. Last evaluated: 2024-10-12. Review status: criteria provided, single submitter. Criteria: Invitae Variant Classification Sherloc (09022015). Collection method: clinical testing. Allele origin: germline.
Comment: This sequence change replaces valine, which is neutral and non-polar, with methionine, which is neutral and non-polar, at codon 449 of the IFT88 protein (p.Val449Met). This variant is not present in population databases (gnomAD no frequency). This variant has not been reported in the literature in individuals affected with IFT88-related conditions. An algorithm developed to predict the effect of missense changes on protein structure and function outputs the following: PolyPhen-2: "Benign". The methionine amino acid residue is found in multiple mammalian species, which suggests that this missense change does not adversely affect protein function. In summary, the available evidence is currently insufficient to determine the role of this variant in disease. Therefore, it has been classified as a Variant of Uncertain Significance.